The following is an entry in ClinVar:

ClinVar aggregate classification (germline): Uncertain significance (1 of 4 stars; one submission).

Conditions:
Peroxisome biogenesis disorder 11A (Zellweger). Also called: Peroxisome biogenesis disorder 11A. Identifiers: Orphanet 912, MedGen C3554000, MONDO:0013949, OMIM 614883.

Submission:

Labcorp Genetics (formerly Invitae), Labcorp
Classification: Uncertain significance for Peroxisome biogenesis disorder 11A (Zellweger). Last evaluated: 2024-05-31. Review status: criteria provided, single submitter. Criteria: Invitae Variant Classification Sherloc (09022015). Collection method: clinical testing. Allele origin: germline.
Comment: This sequence change replaces phenylalanine, which is neutral and non-polar, with leucine, which is neutral and non-polar, at codon 175 of the PEX13 protein (p.Phe175Leu). This variant is not present in population databases (gnomAD no frequency). This variant has not been reported in the literature in individuals affected with PEX13-related conditions. Advanced modeling of protein sequence and biophysical properties (such as structural, functional, and spatial information, amino acid conservation, physicochemical variation, residue mobility, and thermodynamic stability) performed at Invitae indicates that this missense variant is not expected to disrupt PEX13 protein function with a negative predictive value of 80%. In summary, the available evidence is currently insufficient to determine the role of this variant in disease. Therefore, it has been classified as a Variant of Uncertain Significance.

NM_002618.4(PEX13):c.523T>C (p.Phe175Leu)

Gene: PEX13 (peroxisomal biogenesis factor 13; plus strand). Cytogenetic location: 2p15.
Variant type: single nucleotide variant.
Coding change: c.523T>C on transcript NM_002618.4 (MANE Select); coding-DNA position 523, T replaced by C.
Protein change: p.Phe175Leu; replaces phenylalanine 175 with leucine.
Molecular consequence: missense variant.
Genome position (GRCh38, 1-based): chr2:61,031,849, T>C. VCF-style: chr2-61031849-T-C. GRCh37 (hg19) VCF-style: chr2-61258984-T-C.
Other names: short protein forms F175L.
Identifiers: ClinVar variation 3671922 (VCV003671922.2).